The following is an entry in ClinVar:

NM_000170.3(GLDC):c.603dup (p.Ala202fs)

Gene: GLDC (glycine decarboxylase; minus strand). Cytogenetic location: 9p24.1.
Variant type: Duplication.
Coding change: c.603dup on transcript NM_000170.3 (MANE Select); coding-DNA position 603, one base duplicated (T; older notation c.603dupT).
Protein change: p.Ala202fs; shifts the reading frame from alanine 202.
Molecular consequence: frameshift variant.
Genome position (GRCh38, 1-based): chr9:6,610,224, A duplicated on the plus strand (T on the coding strand, the reverse complement: GLDC is on the minus strand). VCF-style (leftmost placement, unchanged base first): chr9-6610223-C-CA. GRCh37 (hg19) VCF-style: chr9-6610223-C-CA.
Other names: c.603dupT (NM_000170.2); short protein forms A202fs.
Identifiers: ClinVar variation 4817864 (VCV004817864.1).
Genomic context (GRCh38, chr9:6,610,223, plus strand): 5'-GAATTCCAGCACTTTGAGAGGCCTCTCACCTGTAGCACAGCTGCAGTGCCTCTGCGGCTG[C>CA]AGTCCCCTCATCCAGCAGGGATGCATTGGCCATGTCCAGGCCTGTGATGTCACACACCAT-3'

ClinVar aggregate classification (germline): Likely pathogenic (1 of 4 stars; one submission).

Conditions:
Glycine encephalopathy. Also called: Nonketotic hyperglycinemia; Non-ketotic hyperglycinemia. Identifiers: Orphanet 407, MedGen C0751748, MONDO:0011612, HP:0008288.

Submission:

Natera, Inc.
Classification: Likely pathogenic for Non-ketotic hyperglycinemia. Last evaluated: 2024-04-18. Review status: criteria provided, single submitter. Criteria: Natera Variant Classification Schema (03/2026). Collection method: clinical testing. Allele origin: germline.
Comment: The c.603dupT variant in GLDC is a frameshift variant predicted to shift the reading frame beginning at codon 202 and leads to a stop codon 21 codons downstream. This variant is expected to result in nonsense mediated decay, truncation, or a dysfunctional protein product. This variant is rare in the general population with a frequency below the threshold expected for the associated phenotype(s). Given the available evidence, this variant is classified as Likely Pathogenic.